The following is an entry in ClinVar:

NM_000419.5(ITGA2B):c.1334G>C (p.Gly445Ala)

Gene: ITGA2B (integrin subunit alpha 2b; minus strand). Cytogenetic location: 17q21.31.
Variant type: single nucleotide variant.
Coding change: c.1334G>C on transcript NM_000419.5 (MANE Select); coding-DNA position 1334, G replaced by C.
Protein change: p.Gly445Ala; replaces glycine 445 with alanine.
Molecular consequence: missense variant.
Genome position (GRCh38, 1-based): chr17:44,380,938, C>G on the plus strand (G>C on the coding strand, the complement: ITGA2B is on the minus strand). VCF-style: chr17-44380938-C-G. GRCh37 (hg19) VCF-style: chr17-42458306-C-G.
Other names: short protein forms G445A.
Identifiers: ClinVar variation 4754114 (VCV004754114.1).
Genomic context (GRCh38, chr17:44,380,938, plus strand): 5'-CCTGGGTATCCGTTGTCATCGATGTCTACGGCACCTCGAAGGGAGAAGCCAAAGGCAGAG[C>G]CTGTGGGGAAGGGGCTGTCCAGGACCTGGGAGGGACGTGACCTCAGCCCCTCACTCTGAC-3'
Protein context (NP_000410.2, residues 435-455): SQVLDSPFPT[Gly445Ala]SAFGFSLRGA

ClinVar aggregate classification (germline): Uncertain significance (1 of 4 stars; one submission).

Conditions:
Glanzmann thrombasthenia. Also called: PLATELET GLYCOPROTEIN IIb-IIIa DEFICIENCY; BLEEDING DISORDER, PLATELET-TYPE, 2; THROMBASTHENIA OF GLANZMANN AND NAEGELI; Glanzmann's thrombasthenia; Thrombasthenia. Identifiers: Orphanet 849, MedGen C0040015, MONDO:0100326.

gnomAD v4.1: 1 of 1,614,140 alleles (0.000062%); highest among the groups gnomAD compares: Admixed American, 0.0017%; no homozygotes.

Submission:

Labcorp Genetics (formerly Invitae), Labcorp
Classification: Uncertain significance for Glanzmann thrombasthenia. Last evaluated: 2025-08-11. Review status: criteria provided, single submitter. Criteria: Invitae Variant Classification Sherloc (09022015). Collection method: clinical testing. Allele origin: germline.
Comment: This sequence change replaces glycine, which is neutral and non-polar, with alanine, which is neutral and non-polar, at codon 445 of the ITGA2B protein (p.Gly445Ala). This variant is not present in population databases (gnomAD no frequency). This variant has not been reported in the literature in individuals affected with ITGA2B-related conditions. Invitae Evidence Modeling of protein sequence and biophysical properties (such as structural, functional, and spatial information, amino acid conservation, physicochemical variation, residue mobility, and thermodynamic stability) indicates that this missense variant is expected to disrupt ITGA2B protein function with a positive predictive value of 95%. In summary, the available evidence is currently insufficient to determine the role of this variant in disease. Therefore, it has been classified as a Variant of Uncertain Significance.